The following is an entry in ClinVar:

NM_005896.4(IDH1):c.831G>T (p.Gln277His)

Gene: IDH1 (isocitrate dehydrogenase (NADP(+)) 1; minus strand). Cytogenetic location: 2q34.
Variant type: single nucleotide variant.
Coding change: c.831G>T on transcript NM_005896.4 (MANE Select); coding-DNA position 831, G replaced by T.
Protein change: p.Gln277His; replaces glutamine 277 with histidine.
Molecular consequence: missense variant.
Genome position (GRCh38, 1-based): chr2:208,242,013, C>A on the plus strand (G>T on the coding strand, the complement: IDH1 is on the minus strand). VCF-style: chr2-208242013-C-A. GRCh37 (hg19) VCF-style: chr2-209106737-C-A.
Other names: c.831G>T, p.Gln277His (NM_001282386.1, NM_001282387.1); short protein forms Q277H.
Identifiers: ClinVar variation 2610290 (VCV002610290.2), dbSNP rs2469019376, ClinGen allele CA350095967.

ClinVar aggregate classification (germline): Uncertain significance (1 of 4 stars; one submission).

Submission:

Ambry Genetics
Classification: Uncertain significance. Last evaluated: 2023-09-10. Review status: criteria provided, single submitter. Criteria: Ambry Variant Classification Scheme 2023. Collection method: clinical testing. Allele origin: germline.
Comment: The p.Q277H variant (also known as c.831G>T), located in coding exon 5 of the IDH1 gene, results from a G to T substitution at nucleotide position 831. The glutamine at codon 277 is replaced by histidine, an amino acid with highly similar properties. This amino acid position is conserved. In addition, this alteration is predicted to be deleterious by in silico analysis. Since supporting evidence is limited at this time, the clinical significance of this alteration remains unclear.